The following is an entry in ClinVar:

NM_000535.7(PMS2):c.1989A>G (p.Glu663=)

Gene: PMS2 (PMS1 homolog 2, mismatch repair system component; minus strand). Cytogenetic location: 7p22.1.
Variant type: single nucleotide variant.
Coding change: c.1989A>G on transcript NM_000535.7 (MANE Select); coding-DNA position 1989, A replaced by G.
Protein change: p.Glu663=; no amino-acid change (glutamic acid 663 retained).
Molecular consequence: synonymous variant. On other transcripts: non-coding transcript variant (1).
Genome position (GRCh38, 1-based): chr7:5,986,776, T>C on the plus strand (A>G on the coding strand, the complement: PMS2 is on the minus strand). VCF-style: chr7-5986776-T-C. GRCh37 (hg19) VCF-style: chr7-6026407-T-C.
Other names: c.1584A>G, p.Glu528= (NM_001322003.2, NM_001322004.2, NM_001322005.2 and 1 more transcripts); c.1833A>G, p.Glu611= (NM_001322006.2); c.1671A>G, p.Glu557= (NM_001322007.2, NM_001322008.2); c.1428A>G, p.Glu476= (NM_001322010.2); c.1056A>G, p.Glu352= (NM_001322011.2, NM_001322012.2); c.1416A>G, p.Glu472= (NM_001322013.2); c.1989A>G, p.Glu663= (NM_001322014.2); c.1680A>G, p.Glu560= (NM_001322015.2).
Identifiers: ClinVar variation 629793 (VCV000629793.5), dbSNP rs1562625015, ClinGen allele CA453745690.

ClinVar aggregate classification (germline): Benign/Likely benign. Review status: criteria provided, multiple submitters, no conflicts (2 of 4 stars). 3 submissions from 3 submitters: Benign (1); Likely benign (2). Last evaluated 2025-02-03.

Conditions:
Lynch syndrome 4 (LYNCH4). Also called: Colorectal cancer, hereditary nonpolyposis, type 4; Hereditary non-polyposis colorectal cancer, type 4. Identifiers: Orphanet 144, MedGen C1838333, MONDO:0013699, OMIM 614337. Disease mechanism: loss of function.
Hereditary cancer-predisposing syndrome. Also called: Neoplastic Syndromes, Hereditary; Tumor predisposition; Hereditary neoplastic syndrome; Hereditary Cancer Syndrome. Identifiers: Orphanet 140162, MedGen C0027672, MeSH D009386, MONDO:0015356.

Submissions (3):

Myriad Genetics, Inc.
Classification: Benign for Lynch syndrome 4. Last evaluated: 2025-02-03. Review status: criteria provided, single submitter. Criteria: Myriad Autosomal Dominant, Autosomal Recessive and X-Linked Classification Criteria (2023). Collection method: clinical testing. Allele origin: unknown.
Comment: This variant is considered benign. This variant is a silent/synonymous amino acid change and it is not expected to impact splicing.

Ambry Genetics
Classification: Likely benign for Hereditary cancer-predisposing syndrome. Last evaluated: 2019-01-24. Review status: criteria provided, single submitter. Criteria: Ambry Variant Classification Scheme 2023. Collection method: clinical testing. Allele origin: germline.

Color Diagnostics, LLC DBA Color Health
Classification: Likely benign for Hereditary cancer-predisposing syndrome. Last evaluated: 2018-10-26. Review status: criteria provided, single submitter. Criteria: ACMG Guidelines, 2015. Collection method: clinical testing. Allele origin: germline.